The following is an entry in ClinVar:

ClinVar aggregate classification (germline): Pathogenic/Likely pathogenic. Review status: criteria provided, multiple submitters, no conflicts (2 of 4 stars). 5 submissions from 5 submitters: Pathogenic (3); Likely pathogenic (2). Last evaluated 2026-08-12.

Conditions:
Acute myeloid leukemia (AML). Also called: Leukemia, acute myeloid, somatic; Leukemia, acute myelogenous, somatic; Acute myeloid leukemia, adult; AML adult; Acute non-lymphocytic leukemia; Acute granulocytic leukemia. Identifiers: Orphanet 519, MedGen C0023467, MeSH D015470, MONDO:0018874, OMIM 601626, HP:0004808. Disease mechanism: Constitutively activated FLT3.
Tatton-Brown-Rahman overgrowth syndrome. Also called: Tatton-Brown-Rahman syndrome; Tall stature-intellectual disability-facial dysmorphism syndrome. Identifiers: Orphanet 404443, MedGen C4014545, MONDO:0014382, OMIM 615879.
Heyn-Sproul-Jackson syndrome. Also called: MICROCEPHALY, SHORT STATURE, AND IMPAIRED INTELLECTUAL DEVELOPMENT. Identifiers: Orphanet 658595, MedGen C5231475, MONDO:0032882, OMIM 618724.
DNMT3A-related disorder. Also called: DNMT3A-related disorders; DNMT3A-related condition.

Allele frequency attached by ClinVar (database versions not stated): gnomAD 0.00002; gnomAD exomes 0.00002 and 0.00003; ExAC 0.00006; 1000 Genomes Project 0.00020.
gnomAD v4.1: 46 of 1,613,732 alleles (0.0029%); highest among the groups gnomAD compares: Admixed American, 0.0033%; no homozygotes.

Submissions (5):

PreventionGenetics, part of Exact Sciences
Classification: Pathogenic for DNMT3A-related condition. Last evaluated: 2026-08-12. Review status: criteria provided, single submitter. Criteria: ACMG Guidelines, 2015. Collection method: clinical testing. Allele origin: germline.
Comment: The DNMT3A c.1792C>T variant is predicted to result in premature protein termination (p.Arg598*). To our knowledge, this variant has not been reported in the literature in individuals with DNMT3A-related disorders. In ClinVar, this variant has been reported by another laboratory in an individual presenting with tall stature, autistic behavior, and neurodevelopmental abnormality, and is interpreted as pathogenic/likely pathogenic (Variation ID: 1070654). This variant is reported in 0.0099% of alleles in individuals of Ashkenazi Jewish descent in gnomAD. Nonsense variants in DNMT3A are expected to be pathogenic. This variant is interpreted as pathogenic.

Labcorp Genetics (formerly Invitae), Labcorp
Classification: Pathogenic for Tatton-Brown-Rahman overgrowth syndrome. Last evaluated: 2023-12-01. Review status: criteria provided, single submitter. Criteria: Invitae Variant Classification Sherloc (09022015). Collection method: clinical testing. Allele origin: germline.
Comment: This sequence change creates a premature translational stop signal (p.Arg598*) in the DNMT3A gene. It is expected to result in an absent or disrupted protein product. Loss-of-function variants in DNMT3A are known to be pathogenic (PMID: 24614070). The frequency data for this variant in the population databases is considered unreliable, as metrics indicate poor data quality at this position in the gnomAD database. This variant has not been reported in the literature in individuals affected with DNMT3A-related conditions. ClinVar contains an entry for this variant (Variation ID: 1070654). For these reasons, this variant has been classified as Pathogenic.

GeneDx
Classification: Pathogenic. Last evaluated: 2022-09-19. Review status: criteria provided, single submitter. Criteria: GeneDx Variant Classification Process June 2021. Collection method: clinical testing. Allele origin: germline. Affected: yes.
Comment: Nonsense variant predicted to result in protein truncation or nonsense mediated decay in a gene for which loss-of-function is a known mechanism of disease; This variant is associated with the following publications: (PMID: 27010436, 30013198, 27733013, 22077061, 31697828, 31149783, 33726816)

Laboratorio de Genetica e Diagnostico Molecular, Hospital Israelita Albert Einstein
Classification: Likely pathogenic. Last evaluated: 2019-03-12. Review status: criteria provided, single submitter. Criteria: ACMG Guidelines, 2015. Collection method: clinical testing. Allele origin: germline. Affected: yes.
Comment: ACMG classification criteria: PVS1, PM2

Juno Genomics, Hangzhou Juno Genomics, Inc
Classification: Likely pathogenic for Acute myeloid leukemia; Heyn-Sproul-Jackson syndrome; Tatton-Brown-Rahman overgrowth syndrome. Review status: criteria provided, single submitter. Criteria: ACMG Guidelines, 2015. Collection method: clinical testing. Allele origin: germline. Affected: yes.
Comment: Absent from controls (or at extremely low frequency if recessive) in Genome Aggregation Database.;Null variant in a gene where loss of function (LOF) is a known mechanism of disease.

Literature cited by the submitters: PubMed 24614070 (cited by Labcorp Genetics (formerly Invitae), Labcorp).

NM_022552.5(DNMT3A):c.1792C>T (p.Arg598Ter)

Gene: DNMT3A (DNA methyltransferase 3 alpha; minus strand). Cytogenetic location: 2p23.3.
Variant type: single nucleotide variant.
Coding change: c.1792C>T on transcript NM_022552.5 (MANE Select); coding-DNA position 1792, C replaced by T.
Protein change: p.Arg598Ter; replaces arginine 598 with a stop codon.
Molecular consequence: nonsense. On other transcripts: non-coding transcript variant (1).
Genome position (GRCh38, 1-based): chr2:25,244,214, G>A on the plus strand (C>T on the coding strand, the complement: DNMT3A is on the minus strand). VCF-style: chr2-25244214-G-A. GRCh37 (hg19) VCF-style: chr2-25467083-G-A.
Other names: c.1336C>T, p.Arg446Ter (NM_001320893.1); c.1123C>T, p.Arg375Ter (NM_001375819.1); c.1225C>T, p.Arg409Ter (NM_153759.3); c.1792C>T, p.Arg598Ter (NM_175629.2); short protein forms R375*, R409*, R446*, R598*.
Identifiers: ClinVar variation 1070654 (VCV001070654.12), dbSNP rs568207978, ClinGen allele CA1555873.